The following is an entry in ClinVar:

ClinVar aggregate classification (germline): Conflicting classifications of pathogenicity. Review status: criteria provided, conflicting classifications (1 of 4 stars). 2 submissions from 2 submitters: Uncertain significance (1); Likely benign (1). Last evaluated 2023-05-26.

Conditions:
Cardiovascular phenotype. Identifiers: MedGen CN230736.

Allele frequency attached by ClinVar (database versions not stated): ExAC 0.00008.
gnomAD v4.1: 49 of 1,613,378 alleles (0.003%); highest among the groups gnomAD compares: East Asian, 0.027%; no homozygotes.

Submissions (2):

Labcorp Genetics (formerly Invitae), Labcorp
Classification: Uncertain significance. Last evaluated: 2023-05-26. Review status: criteria provided, single submitter. Criteria: Invitae Variant Classification Sherloc (09022015). Collection method: clinical testing. Allele origin: germline.
Comment: In summary, the available evidence is currently insufficient to determine the role of this variant in disease. Therefore, it has been classified as a Variant of Uncertain Significance. Advanced modeling of protein sequence and biophysical properties (such as structural, functional, and spatial information, amino acid conservation, physicochemical variation, residue mobility, and thermodynamic stability) performed at Invitae indicates that this missense variant is not expected to disrupt EPHB4 protein function. ClinVar contains an entry for this variant (Variation ID: 1795276). This variant has not been reported in the literature in individuals affected with EPHB4-related conditions. This variant is present in population databases (rs764620067, gnomAD 0.06%), and has an allele count higher than expected for a pathogenic variant. This sequence change replaces arginine, which is basic and polar, with histidine, which is basic and polar, at codon 91 of the EPHB4 protein (p.Arg91His).

Ambry Genetics
Classification: Likely benign for Cardiovascular phenotype. Last evaluated: 2021-11-04. Review status: criteria provided, single submitter. Criteria: Ambry Variant Classification Scheme 2023. Collection method: clinical testing. Allele origin: germline.

NM_004444.5(EPHB4):c.272G>A (p.Arg91His)

Gene: EPHB4 (EPH receptor B4; minus strand). Cytogenetic location: 7q22.1.
Variant type: single nucleotide variant.
Coding change: c.272G>A on transcript NM_004444.5 (MANE Select); coding-DNA position 272, G replaced by A.
Protein change: p.Arg91His; replaces arginine 91 with histidine.
Molecular consequence: missense variant.
Genome position (GRCh38, 1-based): chr7:100,823,783, C>T on the plus strand (G>A on the coding strand, the complement: EPHB4 is on the minus strand). VCF-style: chr7-100823783-C-T. GRCh37 (hg19) VCF-style: chr7-100421405-C-T.
Other names: short protein forms R91H.
Identifiers: ClinVar variation 1795276 (VCV001795276.7), dbSNP rs764620067, ClinGen allele CA4393352.